The following is an entry in ClinVar:

ClinVar aggregate classification (germline): Uncertain significance. Review status: criteria provided, multiple submitters, no conflicts (2 of 4 stars). 2 submissions from 2 submitters: Uncertain significance (2). Last evaluated 2025-04-03.

Conditions:
Inborn genetic diseases. Identifiers: MedGen C0950123, MeSH D030342.

Allele frequency attached by ClinVar (database versions not stated): ExAC 0.00003; gnomAD 0.00003; TOPMed 0.00003; 1000 Genomes Project 30x 0.00031; 1000 Genomes Project 0.00040.
gnomAD v4.1: 43 of 1,612,782 alleles (0.0027%); highest among the groups gnomAD compares: African/African-American, 0.0067%; no homozygotes.

Submissions (2):

Ambry Genetics
Classification: Uncertain significance for Inborn genetic diseases. Last evaluated: 2025-04-03. Review status: criteria provided, single submitter. Criteria: Ambry Variant Classification Scheme 2023. Collection method: clinical testing. Allele origin: germline.

Labcorp Genetics (formerly Invitae), Labcorp
Classification: Uncertain significance. Last evaluated: 2022-10-17. Review status: criteria provided, single submitter. Criteria: Invitae Variant Classification Sherloc (09022015). Collection method: clinical testing. Allele origin: germline.
Comment: This sequence change replaces glycine, which is neutral and non-polar, with arginine, which is basic and polar, at codon 393 of the CDT1 protein (p.Gly393Arg). This variant is present in population databases (rs531159541, gnomAD 0.008%). This variant has not been reported in the literature in individuals affected with CDT1-related conditions. Algorithms developed to predict the effect of missense changes on protein structure and function output the following: SIFT: "Tolerated"; PolyPhen-2: "Benign"; Align-GVGD: "Class C0". The arginine amino acid residue is found in multiple mammalian species, which suggests that this missense change does not adversely affect protein function. In summary, the available evidence is currently insufficient to determine the role of this variant in disease. Therefore, it has been classified as a Variant of Uncertain Significance.

NM_030928.4(CDT1):c.1177G>A (p.Gly393Arg)

Gene: CDT1 (chromatin licensing and DNA replication factor 1; plus strand). Cytogenetic location: 16q24.3.
Variant type: single nucleotide variant.
Coding change: c.1177G>A on transcript NM_030928.4 (MANE Select); coding-DNA position 1177, G replaced by A.
Protein change: p.Gly393Arg; replaces glycine 393 with arginine.
Molecular consequence: missense variant.
Genome position (GRCh38, 1-based): chr16:88,807,105, G>A. VCF-style: chr16-88807105-G-A. GRCh37 (hg19) VCF-style: chr16-88873513-G-A.
Other names: c.1177G>A (NM_030928.3); short protein forms G393R.
Identifiers: ClinVar variation 2413547 (VCV002413547.4), dbSNP rs531159541, ClinGen allele CA8234037.